The following is an entry in ClinVar:

ClinVar aggregate classification (germline): Likely benign (1 of 4 stars; one submission).

Submission:

GeneDx
Classification: Likely benign. Last evaluated: 2017-05-15. Review status: criteria provided, single submitter. Criteria: GeneDx Variant Classification (06012015). Collection method: clinical testing. Allele origin: germline. Affected: yes.
Comment: This variant is considered likely benign or benign based on one or more of the following criteria: it is a conservative change, it occurs at a poorly conserved position in the protein, it is predicted to be benign by multiple in silico algorithms, and/or has population frequency not consistent with disease.

NM_001352514.2(HLCS):c.1845A>G (p.Val615=)

Gene: HLCS (holocarboxylase synthetase; minus strand). Cytogenetic location: 21q22.13.
Variant type: single nucleotide variant.
Coding change: c.1845A>G on transcript NM_001352514.2 (MANE Select); coding-DNA position 1845, A replaced by G.
Protein change: p.Val615=; no amino-acid change (valine 615 retained).
Molecular consequence: synonymous variant. On other transcripts: non-coding transcript variant (2).
Genome position (GRCh38, 1-based): chr21:36,896,907, T>C on the plus strand (A>G on the coding strand, the complement: HLCS is on the minus strand). VCF-style: chr21-36896907-T-C. GRCh37 (hg19) VCF-style: chr21-38269207-T-C.
Other names: c.1404A>G, p.Val468= (NM_000411.8, NM_001242784.3, NM_001242785.2 and 4 more transcripts).
Identifiers: ClinVar variation 508204 (VCV000508204.1), dbSNP rs1555930182, ClinGen allele CA512177084.